The following is an entry in ClinVar:

NM_001372.4(DNAH9):c.7C>G (p.Leu3Val)

Gene: DNAH9 (dynein axonemal heavy chain 9; plus strand). Cytogenetic location: 17p12.
Variant type: single nucleotide variant.
Coding change: c.7C>G on transcript NM_001372.4 (MANE Select); coding-DNA position 7, C replaced by G.
Protein change: p.Leu3Val; replaces leucine 3 with valine.
Molecular consequence: missense variant.
Genome position (GRCh38, 1-based): chr17:11,598,505, C>G. VCF-style: chr17-11598505-C-G. GRCh37 (hg19) VCF-style: chr17-11501822-C-G.
Other names: short protein forms L3V.
Identifiers: ClinVar variation 2806579 (VCV002806579.3), dbSNP rs555429163, ClinGen allele CA398152918.

ClinVar aggregate classification (germline): Uncertain significance (1 of 4 stars; one submission).

Submission:

Labcorp Genetics (formerly Invitae), Labcorp
Classification: Uncertain significance. Last evaluated: 2023-09-06. Review status: criteria provided, single submitter. Criteria: Invitae Variant Classification Sherloc (09022015). Collection method: clinical testing. Allele origin: germline.
Comment: In summary, the available evidence is currently insufficient to determine the role of this variant in disease. Therefore, it has been classified as a Variant of Uncertain Significance. Experimental studies and prediction algorithms are not available or were not evaluated, and the functional significance of this variant is currently unknown. This variant has not been reported in the literature in individuals affected with DNAH9-related conditions. This variant is not present in population databases (gnomAD no frequency). This sequence change replaces leucine, which is neutral and non-polar, with valine, which is neutral and non-polar, at codon 3 of the DNAH9 protein (p.Leu3Val).